The following is an entry in ClinVar:

NM_001378609.3(OTOGL):c.6788G>A (p.Arg2263Gln)

Gene: OTOGL (otogelin like; plus strand). Cytogenetic location: 12q21.31.
Variant type: single nucleotide variant.
Coding change: c.6788G>A on transcript NM_001378609.3 (MANE Select); coding-DNA position 6788, G replaced by A.
Protein change: p.Arg2263Gln; replaces arginine 2263 with glutamine.
Molecular consequence: missense variant.
Genome position (GRCh38, 1-based): chr12:80,377,129, G>A. VCF-style: chr12-80377129-G-A. GRCh37 (hg19) VCF-style: chr12-80770909-G-A.
Other names: c.6653G>A, p.Arg2218Gln (NM_001368062.3); c.6788G>A, p.Arg2263Gln (NM_001378610.3, NM_173591.7); c.6761G>A (NM_173591.3); short protein forms R2218Q, R2263Q.
Identifiers: ClinVar variation 2719990 (VCV002719990.2), dbSNP rs759534300, ClinGen allele CA6702162.

ClinVar aggregate classification (germline): Uncertain significance. Review status: criteria provided, multiple submitters, no conflicts (2 of 4 stars). 2 submissions from 2 submitters: Uncertain significance (2). Last evaluated 2025-06-07.

Conditions:
Inborn genetic diseases. Identifiers: MedGen C0950123, MeSH D030342.

Allele frequency attached by ClinVar (database versions not stated): gnomAD 0.00001; TOPMed 0.00013.
gnomAD v4.1: 59 of 1,603,294 alleles (0.0037%); highest among the groups gnomAD compares: Admixed American, 0.086%; no homozygotes.

Submissions (2):

Ambry Genetics
Classification: Uncertain significance for Inborn genetic diseases. Last evaluated: 2025-06-07. Review status: criteria provided, single submitter. Criteria: Ambry Variant Classification Scheme 2023. Collection method: clinical testing. Allele origin: germline.

Labcorp Genetics (formerly Invitae), Labcorp
Classification: Uncertain significance. Last evaluated: 2023-12-02. Review status: criteria provided, single submitter. Criteria: Invitae Variant Classification Sherloc (09022015). Collection method: clinical testing. Allele origin: germline.
Comment: This sequence change replaces arginine, which is basic and polar, with glutamine, which is neutral and polar, at codon 2254 of the OTOGL protein (p.Arg2254Gln). This variant is present in population databases (rs759534300, gnomAD 0.1%). This variant has not been reported in the literature in individuals affected with OTOGL-related conditions. Algorithms developed to predict the effect of missense changes on protein structure and function output the following: SIFT: "Not Available"; PolyPhen-2: "Benign"; Align-GVGD: "Not Available". The glutamine amino acid residue is found in multiple mammalian species, which suggests that this missense change does not adversely affect protein function. In summary, the available evidence is currently insufficient to determine the role of this variant in disease. Therefore, it has been classified as a Variant of Uncertain Significance.